The following is an entry in ClinVar:

NM_001330.5(CTF1):c.280C>T (p.Leu94=)

Genes: CTF1 (cardiotrophin 1; plus strand), LOC130058878 (ATAC-STARR-seq lymphoblastoid silent region 7400; plus strand). Cytogenetic location: 16p11.2.
Variant type: single nucleotide variant.
Coding change: c.280C>T on transcript NM_001330.5 (MANE Select); coding-DNA position 280, C replaced by T.
Protein change: p.Leu94=; no amino-acid change (leucine 94 retained).
Molecular consequence: synonymous variant. On other transcripts: non-coding transcript variant (1).
Genome position (GRCh38, 1-based): chr16:30,902,213, C>T. VCF-style: chr16-30902213-C-T. GRCh37 (hg19) VCF-style: chr16-30913534-C-T.
Other names: c.277C>T, p.Leu93= (NM_001142544.3).
Identifiers: ClinVar variation 44178 (VCV000044178.25), dbSNP rs397516648, ClinGen allele CA133723.

ClinVar aggregate classification (germline): Benign/Likely benign. Review status: criteria provided, multiple submitters, no conflicts (2 of 4 stars). 5 submissions from 5 submitters: Benign (1); Likely benign (4). Last evaluated 2026-01-14.

Conditions:
Cardiomyopathy (CMYO). Also called: Cardiomyopathies. Identifiers: Orphanet 167848, MedGen C0878544, MONDO:0004994, HP:0001638. Inheritance: Various modes of inheritance.

Allele frequency attached by ClinVar (database versions not stated): 1000 Genomes Project 30x 0.00016; gnomAD 0.00044 and 0.00053; TOPMed 0.00047.
gnomAD v4.1: 688 of 1,160,236 alleles (0.059%); highest among the groups gnomAD compares: Non-Finnish European, 0.067%; 3 homozygotes.

Submissions (5):

Labcorp Genetics (formerly Invitae), Labcorp
Classification: Likely benign. Last evaluated: 2026-01-14. Review status: criteria provided, single submitter. Criteria: Invitae Variant Classification Sherloc (09022015). Collection method: clinical testing. Allele origin: germline.

CHEO Genetics Diagnostic Laboratory, Children's Hospital of Eastern Ontario
Classification: Likely benign for Cardiomyopathy. Last evaluated: 2021-06-01. Review status: criteria provided, single submitter. Criteria: ACMG Guidelines, 2015. Collection method: clinical testing. Allele origin: germline.

Women's Health and Genetics/Laboratory Corporation of America, LabCorp
Classification: Benign. Last evaluated: 2019-03-07. Review status: criteria provided, single submitter. Criteria: LabCorp Variant Classification Summary - May 2015. Collection method: clinical testing. Allele origin: germline.
Comment: Variant summary: CTF1 c.280C>T alters a non-conserved nucleotide resulting in a synonymous change. 5/5 computational tools predict no significant impact on normal splicing. However, these predictions have yet to be confirmed by functional studies. The variant allele was found at a frequency of 0.00052 in 27054 control chromosomes. The observed variant frequency is approximately 21 fold of the estimated maximal expected allele frequency for a pathogenic variant in CTF1 causing Cardiomyopathy phenotype (2.5e-05), strongly suggesting that the variant is benign. To our knowledge, no occurrence of c.280C>T in individuals affected with Cardiomyopathy and no experimental evidence demonstrating its impact on protein function have been reported. Two clinical diagnostic laboratories have submitted clinical-significance assessments for this variant to ClinVar after 2014 without evidence for independent evaluation and classified the variant as likely benign. Based on the evidence outlined above, the variant was classified as benign.

ARUP Laboratories, Molecular Genetics and Genomics, ARUP Laboratories
Classification: Likely benign. Last evaluated: 2018-07-25. Review status: criteria provided, single submitter. Criteria: ARUP Molecular Germline Variant Investigation Process. Collection method: clinical testing. Allele origin: germline.

Laboratory for Molecular Medicine, Mass General Brigham Personalized Medicine
Classification: Likely benign. Last evaluated: 2012-07-02. Review status: criteria provided, single submitter. Criteria: LMM Criteria. Collection method: clinical testing. Allele origin: germline. Observed: 2 variant alleles.
Comment: Leu94Leu in exon 3 of CTF1: This variant is not expected to have clinical signif icance because it does not alter an amino acid residue and is not located within the splice consensus sequence. Leu94Leu in exon 3 of CTF1 (allele frequency = n/a)